The following is an entry in ClinVar:

NM_004415.4(DSP):c.7767A>G (p.Ser2589=)

Gene: DSP (desmoplakin; plus strand). Cytogenetic location: 6p24.3.
Variant type: single nucleotide variant.
Coding change: c.7767A>G on transcript NM_004415.4 (MANE Select); coding-DNA position 7767, A replaced by G.
Protein change: p.Ser2589=; no amino-acid change (serine 2589 retained).
Molecular consequence: synonymous variant.
Genome position (GRCh38, 1-based): chr6:7,585,029, A>G. VCF-style: chr6-7585029-A-G. GRCh37 (hg19) VCF-style: chr6-7585262-A-G.
Other names: c.5970A>G, p.Ser1990= (NM_001008844.3); c.6438A>G, p.Ser2146= (NM_001319034.2).
Identifiers: ClinVar variation 908456 (VCV000908456.12), dbSNP rs755928079, ClinGen allele CA050668.

ClinVar aggregate classification (germline): Conflicting classifications of pathogenicity. Review status: criteria provided, conflicting classifications (1 of 4 stars). 6 submissions from 4 submitters: Uncertain significance (4); Benign (1); Likely benign (1). Last evaluated 2024-09-14.

Conditions:
Arrhythmogenic right ventricular dysplasia 8 (ARVD8). Also called: Arrhythmogenic Right Ventricular Dysplasia/Cardiomyopathy 8; ARRHYTHMOGENIC RIGHT VENTRICULAR DYSPLASIA, FAMILIAL, 8; ARRHYTHMOGENIC RIGHT VENTRICULAR CARDIOMYOPATHY 8. Identifiers: MedGen C1843896, MONDO:0011831, OMIM 607450.
Arrhythmogenic cardiomyopathy with wooly hair and keratoderma. Also called: Dilated cardiomyopathy with woolly hair and keratoderma; Arrhythmogenic cardiomyopathy with woolly hair and keratoderma; Carvajal syndrome; PALMOPLANTAR KERATODERMA WITH LEFT VENTRICULAR CARDIOMYOPATHY AND WOOLLY HAIR. Identifiers: Orphanet 65282, MedGen C1854063, MONDO:0011581, OMIM 605676.
Lethal acantholytic epidermolysis bullosa (EBLA). Identifiers: Orphanet 158687, MedGen C1864826, MONDO:0012323, OMIM 609638.
Woolly hair-skin fragility syndrome (WHSF). Identifiers: Orphanet 293165, MedGen C1843292, MONDO:0957307, OMIM 620415.
Cardiovascular phenotype. Identifiers: MedGen CN230736.

Allele frequency attached by ClinVar (database versions not stated): gnomAD exomes below 0.00001 and 0.00003; ExAC 0.00001; gnomAD 0.00001.
gnomAD v4.1: 42 of 1,614,090 alleles (0.0026%); highest among the groups gnomAD compares: East Asian, 0.094%; no homozygotes.

Submissions (6):

Labcorp Genetics (formerly Invitae), Labcorp
Classification: Benign for Arrhythmogenic cardiomyopathy with wooly hair and keratoderma; Arrhythmogenic right ventricular dysplasia 8. Last evaluated: 2024-09-14. Review status: criteria provided, single submitter. Criteria: Invitae Variant Classification Sherloc (09022015). Collection method: clinical testing. Allele origin: germline.

All of Us Research Program, National Institutes of Health
Classification: Uncertain significance for Arrhythmogenic cardiomyopathy with wooly hair and keratoderma. Last evaluated: 2024-04-25. Review status: criteria provided, single submitter. Criteria: ACMG Guidelines, 2015. Collection method: clinical testing. Allele origin: germline. Inheritance: Autosomal dominant inheritance. Observed: 2 variant alleles, 2 heterozygotes.
Comment: This variant is located in the DSP protein. To our knowledge, functional studies have not been reported for this variant. This variant has not been reported in individuals affected with DSP-related disorders in the literature. This variant has been identified in 2/282888 chromosomes in the general population by the Genome Aggregation Database (gnomAD). The available evidence is insufficient to determine the role of this variant in disease conclusively. Therefore, this variant is classified as a Variant of Uncertain Significance.

This study involves interpretation of variants in research participants for the purpose of population health screening. Participant phenotype was not available at the time of variant classification. Additional details can be found in publication PMID: 35346344, PMCID: PMC8962531

Ambry Genetics
Classification: Likely benign for Cardiovascular phenotype. Last evaluated: 2022-05-02. Review status: criteria provided, single submitter. Criteria: Ambry Variant Classification Scheme 2023. Collection method: clinical testing. Allele origin: germline.

Illumina Laboratory Services, Illumina
Classification: Uncertain significance for Arrhythmogenic cardiomyopathy with wooly hair and keratoderma. Last evaluated: 2018-01-13. Review status: criteria provided, single submitter. Criteria: ICSL Variant Classification Criteria 13 December 2019. Collection method: clinical testing. Allele origin: germline.

Illumina Laboratory Services, Illumina
Classification: Uncertain significance for Lethal acantholytic epidermolysis bullosa. Last evaluated: 2018-01-13. Review status: criteria provided, single submitter. Criteria: ICSL Variant Classification Criteria 13 December 2019. Collection method: clinical testing. Allele origin: germline.

Illumina Laboratory Services, Illumina
Classification: Uncertain significance for Arrhythmogenic right ventricular dysplasia 8. Last evaluated: 2018-01-13. Review status: criteria provided, single submitter. Criteria: ICSL Variant Classification Criteria 13 December 2019. Collection method: clinical testing. Allele origin: germline.